The following is an entry in ClinVar:

ClinVar aggregate classification (germline): Uncertain significance (1 of 4 stars; one submission).

Submission:

GeneDx
Classification: Uncertain significance. Last evaluated: 2021-03-19. Review status: criteria provided, single submitter. Criteria: GeneDx Variant Classification Process June 2021. Collection method: clinical testing. Allele origin: germline. Affected: yes.
Comment: Not observed in large population cohorts (Lek et al., 2016); In silico analysis supports that this missense variant has a deleterious effect on protein structure/function; Has not been previously published as pathogenic or benign to our knowledge

NM_002485.5(NBN):c.1113A>T (p.Gln371His)

Gene: NBN (nibrin; minus strand). Cytogenetic location: 8q21.3.
Variant type: single nucleotide variant.
Coding change: c.1113A>T on transcript NM_002485.5 (MANE Select); coding-DNA position 1113, A replaced by T.
Protein change: p.Gln371His; replaces glutamine 371 with histidine.
Molecular consequence: missense variant.
Genome position (GRCh38, 1-based): chr8:89,958,736, T>A on the plus strand (A>T on the coding strand, the complement: NBN is on the minus strand). VCF-style: chr8-89958736-T-A. GRCh37 (hg19) VCF-style: chr8-90970964-T-A.
Other names: c.867A>T, p.Gln289His (NM_001024688.3); short protein forms Q289H, Q371H.
Identifiers: ClinVar variation 1314222 (VCV001314222.2), dbSNP rs1810848534, ClinGen allele CA371656580.